The following is an entry in ClinVar:

NM_014370.4(SRPK3):c.1520-8G>A

Gene: SRPK3 (SRSF protein kinase 3; plus strand). Cytogenetic location: Xq28.
Variant type: single nucleotide variant.
Coding change: c.1520-8G>A on transcript NM_014370.4 (MANE Select); 8 bases into the intron before coding-DNA position 1520, G replaced by A.
Molecular consequence: intron variant.
Genome position (GRCh38, 1-based): chrX:153,785,328, G>A. VCF-style: chrX-153785328-G-A. GRCh37 (hg19) VCF-style: chrX-153050783-G-A.
Other names: c.1517-8G>A (NM_001170760.2); c.1418-8G>A (NM_001170761.2).
Identifiers: ClinVar variation 5039400 (VCV005039400.1).

ClinVar aggregate classification (germline): Likely benign (1 of 4 stars; one submission).

gnomAD v4.1: 58 of 1,201,644 alleles (0.0048%); highest among the groups gnomAD compares: South Asian, 0.081%; no homozygotes.

Submission:

CeGaT Center for Human Genetics Tuebingen
Classification: Likely benign. Last evaluated: 2026-07-01. Review status: criteria provided, single submitter. Criteria: CeGaT Center For Human Genetics Tuebingen Variant Classification Criteria Version 2. Collection method: clinical testing. Allele origin: germline. Affected: yes. Observed: 1 variant allele.
Comment: SRPK3: BP4, BS2